The following is an entry in ClinVar:

NM_001290060.2(SEMA3B):c.793G>A (p.Val265Ile)

Gene: SEMA3B (semaphorin 3B; plus strand). Cytogenetic location: 3p21.31.
Variant type: single nucleotide variant.
Coding change: c.793G>A on transcript NM_001290060.2 (MANE Select); coding-DNA position 793, G replaced by A.
Protein change: p.Val265Ile; replaces valine 265 with isoleucine.
Molecular consequence: missense variant. On other transcripts: 5 prime UTR variant (1), intron variant (1).
Genome position (GRCh38, 1-based): chr3:50,273,426, G>A. VCF-style: chr3-50273426-G-A. GRCh37 (hg19) VCF-style: chr3-50310857-G-A.
Other names: c.793G>A, p.Val265Ile (NM_001005914.3, NM_001290061.1, NM_001435956.1 and 3 more transcripts); c.-234G>A (NM_001290062.2); c.-219-109G>A (NM_001290063.2); short protein forms V265I.
Identifiers: ClinVar variation 4998428 (VCV004998428.1).

ClinVar aggregate classification (germline): Uncertain significance (1 of 4 stars; one submission).

Conditions:
SEMA3B-related disorder. Also called: SEMA3B-related condition.

gnomAD v4.1: 6 of 1,613,676 alleles (0.00037%); highest among the groups gnomAD compares: Middle Eastern, 0.016%; no homozygotes.

Submission:

PreventionGenetics, part of Exact Sciences
Classification: Uncertain significance for SEMA3B-related condition. Last evaluated: 2025-03-22. Review status: criteria provided, single submitter. Criteria: ACMG Guidelines, 2015. Collection method: clinical testing. Allele origin: germline.
Comment: The SEMA3B c.793G>A variant is predicted to result in the amino acid substitution p.Val265Ile. To our knowledge, this variant has not been reported in the literature. This variant is reported in 0.0065% of alleles in individuals of South Asian descent in gnomAD. At this time, the clinical significance of this variant is uncertain due to the absence of conclusive functional and genetic evidence.